The following is an entry in ClinVar:

NM_000051.4(ATM):c.3003A>G (p.Leu1001=)

Gene: ATM (ATM serine/threonine kinase; plus strand). Cytogenetic location: 11q22.3.
Variant type: single nucleotide variant.
Coding change: c.3003A>G on transcript NM_000051.4 (MANE Select); coding-DNA position 3003, A replaced by G.
Protein change: p.Leu1001=; no amino-acid change (leucine 1001 retained).
Molecular consequence: synonymous variant.
Genome position (GRCh38, 1-based): chr11:108,271,332, A>G. VCF-style: chr11-108271332-A-G. GRCh37 (hg19) VCF-style: chr11-108142059-A-G.
Other names: c.3003A>G, p.Leu1001= (NM_001351834.2).
Identifiers: ClinVar variation 184783 (VCV000184783.20), dbSNP rs765969190, ClinGen allele CA190038.

ClinVar aggregate classification (germline): Benign/Likely benign. Review status: criteria provided, multiple submitters, no conflicts (2 of 4 stars). 5 submissions from 5 submitters: Benign (1); Likely benign (4). Last evaluated 2026-01-01.

Conditions:
Familial colorectal cancer type X. Identifiers: Orphanet 440437, MedGen C3896578, MONDO:0018604.
Hereditary cancer-predisposing syndrome. Also called: Tumor predisposition; Hereditary Cancer Syndrome; Hereditary neoplastic syndrome; Neoplastic Syndromes, Hereditary. Identifiers: Orphanet 140162, MedGen C0027672, MeSH D009386, MONDO:0015356.
Familial cancer of breast. Also called: BREAST CANCER, FAMILIAL; hereditary breast carcinoma; Hereditary breast cancer. Identifiers: Orphanet 227535, MedGen C0346153, MONDO:0016419, OMIM 114480. Disease mechanism: loss of function.
Ataxia-telangiectasia syndrome (AT). Also called: LOUIS-BAR SYNDROME; Cerebello-oculocutaneous telangiectasia; Immunodeficiency with ataxia telangiectasia; ATAXIA-TELANGIECTASIA, COMPLEMENTATION GROUP A; ATAXIA-TELANGIECTASIA, FRESNO VARIANT; Ataxia-telangiectasia. Identifiers: Orphanet 100, MedGen C0004135, MONDO:0008840, OMIM 208900.

Allele frequency attached by ClinVar (database versions not stated): ExAC 0.00001; gnomAD 0.00001; gnomAD exomes 0.00001; TOPMed 0.00001.
gnomAD v4.1: 14 of 1,613,866 alleles (0.00087%); highest among the groups gnomAD compares: East Asian, 0.029%; no homozygotes.

Submissions (5):

Labcorp Genetics (formerly Invitae), Labcorp
Classification: Likely benign for Ataxia-telangiectasia syndrome. Last evaluated: 2026-01-01. Review status: criteria provided, single submitter. Criteria: Invitae Variant Classification Sherloc (09022015). Collection method: clinical testing. Allele origin: germline.

Myriad Genetics, Inc.
Classification: Benign for Familial cancer of breast. Last evaluated: 2024-05-13. Review status: criteria provided, single submitter. Criteria: Myriad Autosomal Dominant, Autosomal Recessive and X-Linked Classification Criteria (2023). Collection method: clinical testing. Allele origin: unknown.
Comment: This variant is considered benign. This variant is a silent/synonymous amino acid change and it is not expected to impact splicing.

Department of Pathology and Laboratory Medicine, Sinai Health System
Classification: Likely benign for Familial colorectal cancer type X. Last evaluated: 2019-12-17. Review status: criteria provided, single submitter. Criteria: ACMG Guidelines, 2015. Collection method: clinical testing. Allele origin: germline. Affected: yes.

Color Diagnostics, LLC DBA Color Health
Classification: Likely benign for Hereditary cancer-predisposing syndrome. Last evaluated: 2017-11-25. Review status: criteria provided, single submitter. Criteria: ACMG Guidelines, 2015. Collection method: clinical testing. Allele origin: germline.

Ambry Genetics
Classification: Likely benign for Hereditary cancer-predisposing syndrome. Last evaluated: 2016-02-09. Review status: criteria provided, single submitter. Criteria: Ambry Variant Classification Scheme 2023. Collection method: clinical testing. Allele origin: germline.

Literature cited by the submitters: PubMed 30287823 (cited by Department of Pathology and Laboratory Medicine, Sinai Health System).